The following is an entry in ClinVar:

NM_012144.4(DNAI1):c.1236C>T (p.Asn412=)

Gene: DNAI1 (dynein axonemal intermediate chain 1; plus strand). Cytogenetic location: 9p13.3.
Variant type: single nucleotide variant.
Coding change: c.1236C>T on transcript NM_012144.4 (MANE Select); coding-DNA position 1236, C replaced by T.
Protein change: p.Asn412=; no amino-acid change (asparagine 412 retained).
Molecular consequence: synonymous variant.
Genome position (GRCh38, 1-based): chr9:34,506,799, C>T. VCF-style: chr9-34506799-C-T. GRCh37 (hg19) VCF-style: chr9-34506797-C-T.
Other names: c.1248C>T, p.Asn416= (NM_001281428.2).
Identifiers: ClinVar variation 4085089 (VCV004085089.8).

ClinVar aggregate classification (germline): Likely benign (1 of 4 stars; one submission).

gnomAD v4.1: 1 of 1,614,170 alleles (0.000062%); highest among the groups gnomAD compares: Non-Finnish European, 0.000085%; no homozygotes.

Submission:

CeGaT Center for Human Genetics Tuebingen
Classification: Likely benign. Last evaluated: 2025-06-01. Review status: criteria provided, single submitter. Criteria: CeGaT Center For Human Genetics Tuebingen Variant Classification Criteria Version 2. Collection method: clinical testing. Allele origin: germline. Affected: yes. Observed: 1 variant allele.
Comment: DNAI1: BP4, BP7